The following is an entry in ClinVar:

ClinVar aggregate classification (germline): Conflicting classifications of pathogenicity. Review status: criteria provided, conflicting classifications (1 of 4 stars). 4 submissions from 4 submitters: Likely pathogenic (1); Uncertain significance (1); Likely benign (1). 1 of the submissions does not count toward it. Last evaluated 2026-07-29.

Conditions:
Hereditary cancer-predisposing syndrome. Also called: Tumor predisposition; Neoplastic Syndromes, Hereditary; Hereditary Cancer Syndrome; Hereditary neoplastic syndrome. Identifiers: Orphanet 140162, MedGen C0027672, MeSH D009386, MONDO:0015356.
Hereditary breast ovarian cancer syndrome. Also called: Hereditary breast and ovarian cancer; Hereditary breast and ovarian cancer syndrome (HBOC); Breast and ovarian cancer; BRCA1- and BRCA2-Associated Hereditary Breast and Ovarian Cancer; Hereditary breast and ovarian cancer syndrome; Hereditary breast and/or ovarian cancer syndrome. Identifiers: Orphanet 145, MedGen C0677776, MeSH D061325, MONDO:0003582. Disease mechanism: loss of function.
Breast-ovarian cancer, familial, susceptibility to, 1 (BROVCA1). Also called: BRCA1 Hereditary Breast and Ovarian Cancer; OVARIAN CANCER, SUSCEPTIBILITY TO. Identifiers: Orphanet 145, MedGen C2676676, MONDO:0011450, OMIM 604370. Disease mechanism: loss of function.

Submissions (5):

Ambry Genetics
Classification: Likely benign for Hereditary cancer-predisposing syndrome. Last evaluated: 2026-07-29. Review status: criteria provided, single submitter. Criteria: Ambry Variant Classification Scheme 2023. Collection method: clinical testing. Allele origin: germline.

Center for Genomic Medicine, Rigshospitalet, Copenhagen University Hospital
Classification: Uncertain significance. Last evaluated: 2025-03-04. Review status: criteria provided, single submitter. Criteria: ACMG Guidelines, 2015. Collection method: clinical testing. Allele origin: germline.

Laboratory for Molecular Medicine, Mass General Brigham Personalized Medicine
Classification: Likely pathogenic for Hereditary breast ovarian cancer syndrome. Last evaluated: 2020-06-19. Review status: criteria provided, single submitter. Criteria: ACMG Guidelines, 2015. Collection method: clinical testing. Allele origin: germline.
Comment: The p.Met1Val variant in BRCA1 has been reported in at least 11 individuals with a personal or family history of hereditary breast and/or ovarian cancer (HBOC; Meindl 2002, Walsh 2011, Cunningham 2014, BIC database). It was absent from large population studies. This variant has also been reported in ClinVar (Variation ID: 54432). This variant affects the translation initiation start codon (ATG) and is therefore predicted to disrupt translation although a variety of outcomes (no protein synthesis or the activation of an upstream translation initiation codon) are possible. In vitro functional studies support an impact to the protein (Findlay 2018). In summary, although additional studies are required to fully establish its clinical significance, this variant meets criteria to be classified as likely pathogenic. ACMG/AMP Criteria applied: PM2, PS3_Moderate, PS4_Moderate.

Sharing Clinical Reports Project (SCRP)
Classification: Uncertain significance for Breast-ovarian cancer, familial 1. Last evaluated: 2012-12-21. Review status: no assertion criteria provided. Collection method: clinical testing. Allele origin: germline. Not counted in ClinVar's aggregate classification.

Brotman Baty Institute, University of Washington
No classification provided (evidence only). Condition: Breast-ovarian cancer, familial 1. Review status: no classification provided. Collection method: in vitro. Allele origin: not applicable. Functional consequence: functionally_normal. Not counted in ClinVar's aggregate classification.
ClinVar note: "not provided" was previously submitted as the classification for the variant. However, the classification appeared to be based only on an observation of functional data so it was converted to no classification on 2025-07-30.

Literature cited by the submitters: PubMed 30209399 (cited by Center for Genomic Medicine, Rigshospitalet, Copenhagen University Hospital).

NM_007294.4(BRCA1):c.142A>G (p.Met48Val)

Gene: BRCA1 (BRCA1 DNA repair associated; minus strand). Cytogenetic location: 17q21.31.
Variant type: single nucleotide variant.
Coding change: c.142A>G on transcript NM_007294.4 (MANE Select); coding-DNA position 142, A replaced by G.
Protein change: p.Met48Val; replaces methionine 48 with valine.
Molecular consequence: missense variant. On other transcripts: initiator codon variant (1), non-coding transcript variant (1).
Genome position (GRCh38, 1-based): chr17:43,106,526, T>C on the plus strand (A>G on the coding strand, the complement: BRCA1 is on the minus strand). VCF-style: chr17-43106526-T-C. GRCh37 (hg19) VCF-style: chr17-41258543-T-C.
Other names: 261A>G; c.-47A>G (NM_001407571.1, NM_001407853.1, NM_001407879.1 and 58 more transcripts); c.142A>G, p.Met48Val (NM_001407581.1, NM_001407582.1, NM_001407583.1 and 168 more transcripts); c.1A>G, p.Met1Val (NM_001407692.1, NM_001407694.1, NM_001407695.1 and 99 more transcripts); short protein forms M48V, M1V.
Identifiers: ClinVar variation 252864 (VCV000252864.10), dbSNP rs879255477, ClinGen allele CA10586094.